The following is an entry in ClinVar:

ClinVar aggregate classification (germline): Likely benign (1 of 4 stars; one submission).

Allele frequency attached by ClinVar (database versions not stated): TOPMed below 0.00001.
gnomAD v4.1: 7 of 1,613,980 alleles (0.00043%); highest among the groups gnomAD compares: Non-Finnish European, 0.00059%; no homozygotes.

Submission:

CeGaT Center for Human Genetics Tuebingen
Classification: Likely benign. Last evaluated: 2022-12-01. Review status: criteria provided, single submitter. Criteria: CeGaT Center For Human Genetics Tuebingen Variant Classification Criteria Version 2. Collection method: clinical testing. Allele origin: germline. Affected: yes. Observed: 1 variant allele.
Comment: CNOT3: PM2:Supporting, BP4, BP7

NM_014516.4(CNOT3):c.96C>T (p.Leu32=)

Gene: CNOT3 (CCR4-NOT transcription complex subunit 3; plus strand). Cytogenetic location: 19q13.42.
Variant type: single nucleotide variant.
Coding change: c.96C>T on transcript NM_014516.4 (MANE Select); coding-DNA position 96, C replaced by T.
Protein change: p.Leu32=; no amino-acid change (leucine 32 retained).
Molecular consequence: synonymous variant.
Genome position (GRCh38, 1-based): chr19:54,143,444, C>T. VCF-style: chr19-54143444-C-T. GRCh37 (hg19) VCF-style: chr19-54647180-C-T.
Identifiers: ClinVar variation 1879455 (VCV001879455.29), dbSNP rs2074539266, ClinGen allele CA2342711554.
Genomic context (GRCh38, chr19:54,143,444, plus strand): 5'-GAGTGGGTACTGGGACATCCCCTCCCACACTGACTTCTCAATTCTCTCCATCCCTCAGCT[C>T]CACAATGCAGCCAACGCGAACCAGAAAGAAAAGTATGAGGCTGACCTAAAGAAGGAGATT-3'
Protein context (NP_055331.1, residues 22-42): VEQFEDIWQK[Leu32=]HNAANANQKE